The following is an entry in ClinVar:

ClinVar aggregate classification (germline): Uncertain significance (1 of 4 stars; one submission).

Submission:

Ambry Genetics
Classification: Uncertain significance. Last evaluated: 2022-07-17. Review status: criteria provided, single submitter. Criteria: Ambry Variant Classification Scheme 2023. Collection method: clinical testing. Allele origin: germline.
Comment: The p.R106P variant (also known as c.317G>C), located in coding exon 5 of the RAD54L gene, results from a G to C substitution at nucleotide position 317. The arginine at codon 106 is replaced by proline, an amino acid with dissimilar properties. This amino acid position is conserved. In addition, the in silico prediction for this alteration is inconclusive. Since supporting evidence is limited at this time, the clinical significance of this alteration remains unclear.

NM_003579.4(RAD54L):c.317G>C (p.Arg106Pro)

Gene: RAD54L (RAD54 like; plus strand). Cytogenetic location: 1p34.1.
Variant type: single nucleotide variant.
Coding change: c.317G>C on transcript NM_003579.4 (MANE Select); coding-DNA position 317, G replaced by C.
Protein change: p.Arg106Pro; replaces arginine 106 with proline.
Molecular consequence: missense variant. On other transcripts: 5 prime UTR variant (1).
Genome position (GRCh38, 1-based): chr1:46,260,009, G>C. VCF-style: chr1-46260009-G-C. GRCh37 (hg19) VCF-style: chr1-46725681-G-C.
Other names: c.317G>C, p.Arg106Pro (NM_001142548.2); c.-224G>C (NM_001370766.1); short protein forms R106P.
Identifiers: ClinVar variation 1728525 (VCV001728525.2), dbSNP rs147366486, ClinGen allele CA340182010.